The following is an entry in ClinVar:

ClinVar aggregate classification (germline): Uncertain significance (1 of 4 stars; one submission).

Conditions:
Hereditary spastic paraplegia 30. Identifiers: Orphanet 101010, MedGen C5235139, MONDO:0012476.
Neuropathy, hereditary sensory, type 2C. Also called: Hereditary sensory and autonomic neuropathy type IIC; KIF1A-Related HSAN2 (HSAN2C). Identifiers: Orphanet 970, MedGen C3280168, MONDO:0013634, OMIM 614213.
Intellectual disability, autosomal dominant 9 (NESCAVS). Also called: NESCAV SYNDROME; KIF1A-Related Neurodevelopmental Disorder. Identifiers: Orphanet 662367, MedGen C5393830, MONDO:0013656, OMIM 614255.

Submission:

Labcorp Genetics (formerly Invitae), Labcorp
Classification: Uncertain significance for Hereditary spastic paraplegia 30; Neuropathy, hereditary sensory, type 2C; Intellectual disability, autosomal dominant 9. Last evaluated: 2021-07-08. Review status: criteria provided, single submitter. Criteria: Invitae Variant Classification Sherloc (09022015). Collection method: clinical testing. Allele origin: germline.
Comment: This sequence change replaces alanine with valine at codon 185 of the KIF1A protein (p.Ala185Val). The alanine residue is highly conserved and there is a small physicochemical difference between alanine and valine. This variant is not present in population databases (ExAC no frequency). This variant has not been reported in the literature in individuals affected with KIF1A-related conditions. Advanced modeling of protein sequence and biophysical properties (such as structural, functional, and spatial information, amino acid conservation, physicochemical variation, residue mobility, and thermodynamic stability) performed at Invitae indicates that this missense variant is expected to disrupt KIF1A protein function. In summary, the available evidence is currently insufficient to determine the role of this variant in disease. Therefore, it has been classified as a Variant of Uncertain Significance.

NM_001244008.2(KIF1A):c.554C>T (p.Ala185Val)

Gene: KIF1A (kinesin family member 1A; minus strand). Cytogenetic location: 2q37.3.
Variant type: single nucleotide variant.
Coding change: c.554C>T on transcript NM_001244008.2 (MANE Select); coding-DNA position 554, C replaced by T.
Protein change: p.Ala185Val; replaces alanine 185 with valine.
Molecular consequence: missense variant.
Genome position (GRCh38, 1-based): chr2:240,786,389, G>A on the plus strand (C>T on the coding strand, the complement: KIF1A is on the minus strand). VCF-style: chr2-240786389-G-A. GRCh37 (hg19) VCF-style: chr2-241725806-G-A.
Other names: c.554C>T, p.Ala185Val (NM_001320705.2, NM_001330289.2, NM_001330290.2 and 20 more transcripts); short protein forms A185V.
Identifiers: ClinVar variation 1366286 (VCV001366286.8), dbSNP rs2126071244, ClinGen allele CA351305837.